The following is an entry in ClinVar:

NM_001037333.3(CYFIP2):c.3744C>T (p.Ser1248=)

Genes: CYFIP2 (cytoplasmic FMR1 interacting protein 2; plus strand), NIPAL4-DT (NIPAL4 divergent transcript; minus strand). Cytogenetic location: 5q33.3.
Variant type: single nucleotide variant.
Coding change: c.3744C>T on transcript NM_001037333.3 (MANE Select); coding-DNA position 3744, C replaced by T.
Protein change: p.Ser1248=; no amino-acid change (serine 1248 retained).
Molecular consequence: synonymous variant.
Genome position (GRCh38, 1-based): chr5:157,392,982, C>T. VCF-style: chr5-157392982-C-T. GRCh37 (hg19) VCF-style: chr5-156819990-C-T.
Other names: c.3666C>T, p.Ser1222= (NM_001291721.2); c.3819C>T, p.Ser1273= (NM_001291722.2); c.3744C>T, p.Ser1248= (NM_014376.4).
Identifiers: ClinVar variation 2655997 (VCV002655997.24), dbSNP rs1227566832, ClinGen allele CA447457298.

ClinVar aggregate classification (germline): Likely benign (1 of 4 stars; one submission).

Allele frequency attached by ClinVar (database versions not stated): gnomAD 0.00001; TOPMed 0.00001.
gnomAD v4.1: 2 of 1,613,742 alleles (0.00012%); highest among the groups gnomAD compares: Non-Finnish European, 0.00017%; no homozygotes.

Submission:

CeGaT Center for Human Genetics Tuebingen
Classification: Likely benign. Last evaluated: 2025-08-01. Review status: criteria provided, single submitter. Criteria: CeGaT Center For Human Genetics Tuebingen Variant Classification Criteria Version 2. Collection method: clinical testing. Allele origin: germline. Affected: yes. Observed: 1 variant allele.
Comment: CYFIP2: BP4, BP7